The following is an entry in ClinVar:

NM_003128.3(SPTBN1):c.320G>A (p.Arg107Gln)

Gene: SPTBN1 (spectrin beta, non-erythrocytic 1; plus strand). Cytogenetic location: 2p16.2.
Variant type: single nucleotide variant.
Coding change: c.320G>A on transcript NM_003128.3 (MANE Select); coding-DNA position 320, G replaced by A.
Protein change: p.Arg107Gln; replaces arginine 107 with glutamine.
Molecular consequence: missense variant.
Genome position (GRCh38, 1-based): chr2:54,612,180, G>A. VCF-style: chr2-54612180-G-A. GRCh37 (hg19) VCF-style: chr2-54839317-G-A.
Other names: c.281G>A, p.Arg94Gln (NM_178313.3); short protein forms R107Q, R94Q.
Identifiers: ClinVar variation 4083275 (VCV004083275.1).

ClinVar aggregate classification (germline): Uncertain significance (1 of 4 stars; one submission).

gnomAD v4.1: 2 of 1,607,322 alleles (0.00012%); highest among the groups gnomAD compares: Non-Finnish European, 0.00017%; no homozygotes.

Submission:

GeneDx
Classification: Uncertain significance. Last evaluated: 2025-03-15. Review status: criteria provided, single submitter. Criteria: GeneDx Variant Classification Process June 2021. Collection method: clinical testing. Allele origin: germline. Affected: yes.
Comment: Not observed at significant frequency in large population cohorts (gnomAD); In silico analysis indicates that this missense variant does not alter protein structure/function; Has not been previously published as pathogenic or benign to our knowledge